The following is an entry in ClinVar:

NM_001006941.2(ALG3):c.46G>T (p.Gly16Trp)

Genes: ALG3 (ALG3 alpha-1,3- mannosyltransferase; minus strand), LOC129938049 (ATAC-STARR-seq lymphoblastoid active region 20905; plus strand). Cytogenetic location: 3q27.1.
Variant type: single nucleotide variant.
Coding change: c.46G>T on transcript NM_001006941.2; coding-DNA position 46, G replaced by T.
Protein change: p.Gly16Trp; replaces glycine 16 with tryptophan.
Molecular consequence: missense variant.
Genome position (GRCh38, 1-based): chr3:184,249,232, C>A on the plus strand (G>T on the coding strand, the complement: ALG3 is on the minus strand). VCF-style: chr3-184249232-C-A. GRCh37 (hg19) VCF-style: chr3-183967020-C-A.
Other names: short protein forms G16W.
Identifiers: ClinVar variation 1033185 (VCV001033185.5), dbSNP rs373046727, ClinGen allele CA2729725.

ClinVar aggregate classification (germline): Conflicting classifications of pathogenicity. Review status: criteria provided, conflicting classifications (1 of 4 stars). 3 submissions from 3 submitters: Uncertain significance (2); Likely benign (1). Last evaluated 2024-09-20.

Conditions:
ALG3-congenital disorder of glycosylation. Also called: CONGENITAL DISORDER OF GLYCOSYLATION, TYPE Id; CDG Id; CARBOHYDRATE-DEFICIENT GLYCOPROTEIN SYNDROME, TYPE IV; CDGS, TYPE IV; ALG3-CDG. Identifiers: Orphanet 79321, MedGen C1832736, MONDO:0010998, OMIM 601110.

Allele frequency attached by ClinVar (database versions not stated): 1000 Genomes Project 0.00120; TOPMed 0.00031; ESP Exome Variant Server 0.00058; 1000 Genomes Project 30x 0.00094.
gnomAD v4.1: 142 of 1,612,878 alleles (0.0088%); highest among the groups gnomAD compares: African/African-American, 0.11%; no homozygotes.

Submissions (3):

3billion
Classification: Likely benign for ALG3-congenital disorder of glycosylation. Last evaluated: 2024-09-20. Review status: criteria provided, single submitter. Criteria: ACMG Guidelines, 2015. Collection method: clinical testing. Allele origin: germline. Affected: no.
Comment: The homozygous variant was found in patients diagnosed with another variant in a different gene, with no symptoms related to the gene containing the homozygous variant.

Baylor Genetics
Classification: Uncertain significance for ALG3-congenital disorder of glycosylation. Last evaluated: 2018-01-30. Review status: criteria provided, single submitter. Criteria: ACMG Guidelines, 2015. Collection method: clinical testing. Allele origin: maternal. Affected: yes.
Comment: This variant was determined to be of uncertain significance according to ACMG Guidelines, 2015 [PMID:25741868].

Breakthrough Genomics
Classification: Uncertain significance. Review status: criteria provided, single submitter. Criteria: ACMG Guidelines, 2015. Collection method: not provided. Allele origin: germline. Inheritance: Autosomal recessive inheritance. Affected: yes.